The following is an entry in ClinVar:

NM_144573.4(NEXN):c.1430T>G (p.Ile477Ser)

Gene: NEXN (nexilin F-actin binding protein; plus strand). Cytogenetic location: 1p31.1.
Variant type: single nucleotide variant.
Coding change: c.1430T>G on transcript NM_144573.4 (MANE Select); coding-DNA position 1430, T replaced by G.
Protein change: p.Ile477Ser; replaces isoleucine 477 with serine.
Molecular consequence: missense variant.
Genome position (GRCh38, 1-based): chr1:77,936,001, T>G. VCF-style: chr1-77936001-T-G. GRCh37 (hg19) VCF-style: chr1-78401686-T-G.
Other names: c.1238T>G, p.Ile413Ser (NM_001172309.2); short protein forms I477S, I413S.
Identifiers: ClinVar variation 179137 (VCV000179137.9), dbSNP rs727504658, ClinGen allele CA183791.

ClinVar aggregate classification (germline): Uncertain significance. Review status: criteria provided, multiple submitters, no conflicts (2 of 4 stars). 3 submissions from 3 submitters: Uncertain significance (3). Last evaluated 2025-06-25.

Conditions:
Cardiovascular phenotype. Identifiers: MedGen CN230736.

Allele frequency attached by ClinVar (database versions not stated): TOPMed 0.00002.
gnomAD v4.1: 10 of 1,613,842 alleles (0.00062%); highest among the groups gnomAD compares: Non-Finnish European, 0.00076%; no homozygotes.

Submissions (3):

Mayo Clinic Laboratories, Mayo Clinic
Classification: Uncertain significance. Last evaluated: 2025-06-25. Review status: criteria provided, single submitter. Criteria: ACMG Guidelines, 2015. Collection method: clinical testing. Allele origin: germline. Observed: 1 variant allele.
Comment: BP4_moderate, PM2_supporting

Ambry Genetics
Classification: Uncertain significance for Cardiovascular phenotype. Last evaluated: 2025-05-23. Review status: criteria provided, single submitter. Criteria: Ambry Variant Classification Scheme 2023. Collection method: clinical testing. Allele origin: germline.

Laboratory for Molecular Medicine, Mass General Brigham Personalized Medicine
Classification: Uncertain significance. Last evaluated: 2014-03-07. Review status: criteria provided, single submitter. Criteria: LMM Criteria. Collection method: clinical testing. Allele origin: germline. Observed: 2 variant alleles.
Comment: Computational prediction tools and conservation analysis do not provide strong s upport for or against an impact to the protein. However, isoleucine (Ile) at pos ition 477 is not conserved in mammals or evolutionarily distant species, raising the possibility that a change at this position may be tolerated. Additional inf ormation is needed to fully assess the clinical significance of the Ile477Ser va riant.